The following is an entry in ClinVar:

NM_000440.3(PDE6A):c.*756T>C

Gene: PDE6A (phosphodiesterase 6A; minus strand). Cytogenetic location: 5q32.
Variant type: single nucleotide variant.
Coding change: c.*756T>C on transcript NM_000440.3 (MANE Select); 756 bases downstream of the stop codon, T replaced by C.
Molecular consequence: 3 prime UTR variant.
Genome position (GRCh38, 1-based): chr5:149,860,139, A>G on the plus strand (T>C on the coding strand, the complement: PDE6A is on the minus strand). VCF-style: chr5-149860139-A-G. GRCh37 (hg19) VCF-style: chr5-149239702-A-G.
Identifiers: ClinVar variation 351971 (VCV000351971.5), dbSNP rs4705388, ClinGen allele CA10623587.

ClinVar aggregate classification (germline): Benign (1 of 4 stars; one submission).

Conditions:
Retinitis pigmentosa (RP). Identifiers: Orphanet 791, MedGen C0035334, MeSH D012174, MONDO:0019200, OMIM 268000. Inheritance: Autosomal dominant, autosomal recessive and X linked inheritance.

Allele frequency attached by ClinVar (database versions not stated): gnomAD exomes 0.58571; 1000 Genomes Project 0.59625; gnomAD 0.64589 and 0.65681; TOPMed 0.65944.

Submission:

Illumina Laboratory Services, Illumina
Classification: Benign for Retinitis pigmentosa. Last evaluated: 2018-01-13. Review status: criteria provided, single submitter. Criteria: ICSL Variant Classification Criteria 13 December 2019. Collection method: clinical testing. Allele origin: germline.
Comment: This variant was observed in the ICSL laboratory as part of a predisposition screen in an ostensibly healthy population. It had not been previously curated by ICSL or reported in the Human Gene Mutation Database (HGMD: prior to June 1st, 2018), and was therefore a candidate for classification through an automated scoring system. Utilizing variant allele frequency, disease prevalence and penetrance estimates, and inheritance mode, an automated score was calculated to assess if this variant is too frequent to cause the disease. Based on the score and internal cut-off values, a variant classified as benign is not then subjected to further curation. The score for this variant resulted in a classification of benign for this disease.